The following is an entry in ClinVar:

ClinVar aggregate classification (germline): Uncertain significance. Review status: criteria provided, multiple submitters, no conflicts (2 of 4 stars). 2 submissions from 2 submitters: Uncertain significance (2). Last evaluated 2024-12-05.

Conditions:
Epileptic encephalopathy. Identifiers: MedGen C0543888, HP:0200134.

Allele frequency attached by ClinVar (database versions not stated): TOPMed 0.00002; gnomAD 0.00006; 1000 Genomes Project 30x 0.00016; 1000 Genomes Project 0.00020.
gnomAD v4.1: 27 of 1,539,750 alleles (0.0018%); highest among the groups gnomAD compares: Admixed American, 0.026%; no homozygotes.

Submissions (2):

Ambry Genetics
Classification: Uncertain significance. Last evaluated: 2024-12-05. Review status: criteria provided, single submitter. Criteria: Ambry Variant Classification Scheme 2023. Collection method: clinical testing. Allele origin: germline.

Labcorp Genetics (formerly Invitae), Labcorp
Classification: Uncertain significance for Epileptic encephalopathy. Last evaluated: 2021-12-18. Review status: criteria provided, single submitter. Criteria: Invitae Variant Classification Sherloc (09022015). Collection method: clinical testing. Allele origin: germline.
Comment: This sequence change replaces alanine, which is neutral and non-polar, with threonine, which is neutral and polar, at codon 1684 of the FASN protein (p.Ala1684Thr). This variant is present in population databases (rs559784124, gnomAD 0.03%). This variant has not been reported in the literature in individuals affected with FASN-related conditions. Algorithms developed to predict the effect of missense changes on protein structure and function are either unavailable or do not agree on the potential impact of this missense change (SIFT: "Deleterious"; PolyPhen-2: "Probably Damaging"; Align-GVGD: "Class C0"). In summary, the available evidence is currently insufficient to determine the role of this variant in disease. Therefore, it has been classified as a Variant of Uncertain Significance.

NM_004104.5(FASN):c.5050G>A (p.Ala1684Thr)

Gene: FASN (fatty acid synthase; minus strand). Cytogenetic location: 17q25.3.
Variant type: single nucleotide variant.
Coding change: c.5050G>A on transcript NM_004104.5 (MANE Select); coding-DNA position 5050, G replaced by A.
Protein change: p.Ala1684Thr; replaces alanine 1684 with threonine.
Molecular consequence: missense variant.
Genome position (GRCh38, 1-based): chr17:82,084,023, C>T on the plus strand (G>A on the coding strand, the complement: FASN is on the minus strand). VCF-style: chr17-82084023-C-T. GRCh37 (hg19) VCF-style: chr17-80041899-C-T.
Other names: c.5050G>A (NM_004104.4); short protein forms A1684T.
Identifiers: ClinVar variation 1984766 (VCV001984766.5), dbSNP rs559784124, ClinGen allele CA295128250.
Genomic context (GRCh38, chr17:82,084,023, plus strand): 5'-GCGGGGCCTTACCCACGGTGGTGAAGACGCGGCAGCCCAGACTGAGGGCGATGGCGATGG[C>T]GGCCTGGCCCACGCCGCCCGAGCCCGAGTGGATGAGCAGCGTCTCCCCGGGGCGCACCCG-3'
Protein context (NP_004095.4, residues 1674-1694): HSGSGGVGQA[Ala1684Thr]IAIALSLGCR